The following is an entry in ClinVar:

ClinVar aggregate classification (germline): Uncertain significance (1 of 4 stars; one submission).

Conditions:
Desbuquois dysplasia 1 (DBQD1). Also called: DESBUQUOIS DYSPLASIA 1, KIM VARIANT; MICROMELIC DWARFISM WITH VERTEBRAL AND METAPHYSEAL ABNORMALITIES AND ADVANCED CARPOTARSAL OSSIFICATION. Identifiers: Orphanet 1425, MedGen C4012146, MONDO:0009629, OMIM 251450.

Submission:

Labcorp Genetics (formerly Invitae), Labcorp
Classification: Uncertain significance for Desbuquois dysplasia 1. Last evaluated: 2022-01-13. Review status: criteria provided, single submitter. Criteria: Invitae Variant Classification Sherloc (09022015). Collection method: clinical testing. Allele origin: germline.
Comment: In summary, the available evidence is currently insufficient to determine the role of this variant in disease. Therefore, it has been classified as a Variant of Uncertain Significance. Experimental studies and prediction algorithms are not available or were not evaluated, and the functional significance of this variant is currently unknown. This variant has not been reported in the literature in individuals affected with XYLT1-related conditions. The frequency data for this variant in the population databases is considered unreliable, as metrics indicate insufficient coverage at this position in the gnomAD database. This variant, c.249_269del, results in the deletion of 7 amino acid(s) of the XYLT1 protein (p.Gly84_Gly90del), but otherwise preserves the integrity of the reading frame.

NM_022166.4(XYLT1):c.249_269del (p.Gly84_Gly90del)

Gene: XYLT1 (xylosyltransferase 1; minus strand). Cytogenetic location: 16p12.3.
Variant type: Deletion.
Coding change: c.249_269del on transcript NM_022166.4 (MANE Select); coding-DNA positions 249 to 269, 21 bases deleted (CGGCGGCGGAGGAGGAGGAGG).
Protein change: p.Gly84_Gly90del.
Molecular consequence: inframe deletion.
Genome position (GRCh38, 1-based): chr16:17,470,528-17,470,548, CCTCCTCCTCCTCCGCCGCCG deleted on the plus strand (CGGCGGCGGAGGAGGAGGAGG on the coding strand, the reverse complement: XYLT1 is on the minus strand); deleting any 21 consecutive bases within chr16:17,470,528-17,470,562 gives the same sequence; the c. name uses the placement nearest the transcript's 3' end. VCF-style (leftmost placement, unchanged base first): chr16-17470527-TCCTCCTCCTCCTCCGCCGCCG-T. GRCh37 (hg19) VCF-style: chr16-17564384-TCCTCCTCCTCCTCCGCCGCCG-T.
Identifiers: ClinVar variation 1936236 (VCV001936236.5), dbSNP rs2036973446, ClinGen allele CA2210697574.
Genomic context (GRCh38, chr16:17,470,527, plus strand): 5'-CGGCTGCTGTCCCCGCGGTTCTCCGGGGCCGCCTCCCCGCGCCCGCGCCTGGGGCCCCCG[TCCTCCTCCTCCTCCGCCGCCG>T]CCTCCTCCTCCTCCTCGGGCTGCAGCCGGCTCGGCGGGCAGGTCCCGGCGCTCCCGGCGC-3'